The following is an entry in ClinVar:

ClinVar aggregate classification (germline): Uncertain significance (1 of 4 stars; one submission).

Allele frequency attached by ClinVar (database versions not stated): gnomAD 0.00001; gnomAD exomes 0.00001.

Submission:

Ambry Genetics
Classification: Uncertain significance. Last evaluated: 2023-12-01. Review status: criteria provided, single submitter. Criteria: Ambry Variant Classification Scheme 2023. Collection method: clinical testing. Allele origin: germline.
Comment: The p.R210S variant (also known as c.630A>T), located in coding exon 7 of the NPAT gene, results from an A to T substitution at nucleotide position 630. The arginine at codon 210 is replaced by serine, an amino acid with dissimilar properties. This amino acid position is conserved. In addition, this alteration is predicted to be tolerated by in silico analysis. Since supporting evidence is limited at this time, the clinical significance of this alteration remains unclear.

NM_002519.3(NPAT):c.630A>T (p.Arg210Ser)

Gene: NPAT (nuclear protein, coactivator of histone transcription; minus strand). Cytogenetic location: 11q22.3.
Variant type: single nucleotide variant.
Coding change: c.630A>T on transcript NM_002519.3 (MANE Select); coding-DNA position 630, A replaced by T.
Protein change: p.Arg210Ser; replaces arginine 210 with serine.
Molecular consequence: missense variant.
Genome position (GRCh38, 1-based): chr11:108,188,106, T>A on the plus strand (A>T on the coding strand, the complement: NPAT is on the minus strand). VCF-style: chr11-108188106-T-A. GRCh37 (hg19) VCF-style: chr11-108058833-T-A.
Other names: c.630A>T, p.Arg210Ser (NM_001321307.1); short protein forms R210S.
Identifiers: ClinVar variation 1752777 (VCV001752777.2), dbSNP rs1382605033, ClinGen allele CA382522928.
Genomic context (GRCh38, chr11:108,188,106, plus strand): 5'-TTTTTTTTTTTTAATGGATACGGGTAACTTGTCTCTTTTAAAAAGCATTTACCTTTTGCG[T>A]CTACCGGGAGACATTAAACTGGCATGTGCTTTCTTTTCCTGAGCACCAGGAATGACATTT-3'
Protein context (NP_002510.2, residues 200-220): KAHASLMSPG[Arg210Ser]RKSESQRKST